The following is an entry in ClinVar:

ClinVar aggregate classification (germline): Benign/Likely benign. Review status: criteria provided, multiple submitters, no conflicts (2 of 4 stars). 3 submissions from 3 submitters: Benign (1); Likely benign (2). Last evaluated 2025-08-18.

Conditions:
Multiple endocrine neoplasia, type 1 (MEN1). Also called: MEA I; MEN I; WERMER SYNDROME; Endocrine adenomatosis multiple; MEN 1. Identifiers: Orphanet 652, MedGen C0025267, MeSH D018761, MONDO:0007540, OMIM 131100.
Hereditary cancer-predisposing syndrome. Also called: Neoplastic Syndromes, Hereditary; Hereditary neoplastic syndrome; Tumor predisposition; Hereditary Cancer Syndrome. Identifiers: Orphanet 140162, MedGen C0027672, MeSH D009386, MONDO:0015356.

Allele frequency attached by ClinVar (database versions not stated): gnomAD exomes 0.00001.
gnomAD v4.1: 6 of 1,614,130 alleles (0.00037%); highest among the groups gnomAD compares: Non-Finnish European, 0.00051%; no homozygotes.

Submissions (3):

Labcorp Genetics (formerly Invitae), Labcorp
Classification: Likely benign for Multiple endocrine neoplasia, type 1. Last evaluated: 2025-08-18. Review status: criteria provided, single submitter. Criteria: Invitae Variant Classification Sherloc (09022015). Collection method: clinical testing. Allele origin: germline.

Myriad Genetics, Inc.
Classification: Benign for Multiple endocrine neoplasia, type 1. Last evaluated: 2024-10-31. Review status: criteria provided, single submitter. Criteria: Myriad Autosomal Dominant, Autosomal Recessive and X-Linked Classification Criteria (2023). Collection method: clinical testing. Allele origin: unknown.
Comment: This variant is considered benign. This variant is a silent/synonymous amino acid change and it is not expected to impact splicing.

Ambry Genetics
Classification: Likely benign for Hereditary cancer-predisposing syndrome. Last evaluated: 2020-06-17. Review status: criteria provided, single submitter. Criteria: Ambry Variant Classification Scheme 2023. Collection method: clinical testing. Allele origin: germline.

NM_001370259.2(MEN1):c.366C>T (p.Ser122=)

Gene: MEN1 (menin 1; minus strand). Cytogenetic location: 11q13.1.
Variant type: single nucleotide variant.
Coding change: c.366C>T on transcript NM_001370259.2 (MANE Select); coding-DNA position 366, C replaced by T.
Protein change: p.Ser122=; no amino-acid change (serine 122 retained).
Molecular consequence: synonymous variant.
Genome position (GRCh38, 1-based): chr11:64,809,744, G>A on the plus strand (C>T on the coding strand, the complement: MEN1 is on the minus strand). VCF-style: chr11-64809744-G-A. GRCh37 (hg19) VCF-style: chr11-64577216-G-A.
Other names: c.366C>T, p.Ser122= (NM_000244.4, NM_001370251.2, NM_001370260.2 and 9 more transcripts).
Identifiers: ClinVar variation 660716 (VCV000660716.14), dbSNP rs1592658043, ClinGen allele CA475163351.